The following is an entry in ClinVar:

ClinVar aggregate classification (germline): Likely benign. Review status: criteria provided, single submitter (1 of 4 stars). 2 submissions from 2 submitters: Likely benign (1). 1 of the submissions does not count toward it. Last evaluated 2025-07-14.

Conditions:
LAMB2-related disorder. Also called: LAMB2-related condition.
Pierson syndrome. Also called: MICROCORIA-CONGENITAL NEPHROTIC SYNDROME. Identifiers: Orphanet 2670, MedGen C1836876, MONDO:0012184, OMIM 609049.
LAMB2-related infantile-onset nephrotic syndrome. Also called: Nephrotic Syndrome, type 5; NEPHROTIC SYNDROME, TYPE 5, WITHOUT OCULAR ABNORMALITIES; NEPHROTIC SYNDROME, TYPE 5, WITH OCULAR ABNORMALITIES. Identifiers: Orphanet 306507, MedGen C3280113, MONDO:0013621, OMIM 614199.

Allele frequency attached by ClinVar (database versions not stated): ExAC 0.00001; gnomAD exomes 0.00001 and 0.00003; TOPMed 0.00001.

Submissions (2):

Labcorp Genetics (formerly Invitae), Labcorp
Classification: Likely benign for LAMB2-related infantile-onset nephrotic syndrome; Pierson syndrome. Last evaluated: 2025-07-14. Review status: criteria provided, single submitter. Criteria: Invitae Variant Classification Sherloc (09022015). Collection method: clinical testing. Allele origin: germline.

PreventionGenetics, part of Exact Sciences
Classification: Likely benign for LAMB2-related condition. Last evaluated: 2020-02-20. Review status: no assertion criteria provided. Collection method: clinical testing. Allele origin: germline. Not counted in ClinVar's aggregate classification.
Comment: This variant is classified as likely benign based on ACMG/AMP sequence variant interpretation guidelines (Richards et al. 2015 PMID: 25741868, with internal and published modifications).

NM_002292.4(LAMB2):c.1068C>T (p.Cys356=)

Gene: LAMB2 (laminin subunit beta 2; minus strand). Cytogenetic location: 3p21.31.
Variant type: single nucleotide variant.
Coding change: c.1068C>T on transcript NM_002292.4 (MANE Select); coding-DNA position 1068, C replaced by T.
Protein change: p.Cys356=; no amino-acid change (cysteine 356 retained).
Molecular consequence: synonymous variant.
Genome position (GRCh38, 1-based): chr3:49,130,388, G>A on the plus strand (C>T on the coding strand, the complement: LAMB2 is on the minus strand). VCF-style: chr3-49130388-G-A. GRCh37 (hg19) VCF-style: chr3-49167821-G-A.
Other names: c.1068C>T (NM_002292.3).
Identifiers: ClinVar variation 1577994 (VCV001577994.10), dbSNP rs751259636, ClinGen allele CA2394693.
Genomic context (GRCh38, chr3:49,130,388, plus strand): 5'-TCCATCACACACACCTCCACTCACATTGCCAGATGCCAGGTATACGGCCATGTCGAAGTG[G>A]CAGCTGTGGGTGTGCCCATGGCACTCACACTCTGGCAGGGGAGGAAGGGCAGGGCAAAGG-3'
Protein context (NP_002283.3, residues 346-366): KCECHGHTHS[Cys356=]HFDMAVYLAS